The following is an entry in ClinVar:

NM_001556.3(IKBKB):c.1679T>C (p.Leu560Pro)

Gene: IKBKB (inhibitor of nuclear factor kappa B kinase subunit beta; plus strand). Cytogenetic location: 8p11.21.
Variant type: single nucleotide variant.
Coding change: c.1679T>C on transcript NM_001556.3 (MANE Select); coding-DNA position 1679, T replaced by C.
Protein change: p.Leu560Pro; replaces leucine 560 with proline.
Molecular consequence: missense variant. On other transcripts: non-coding transcript variant (3).
Genome position (GRCh38, 1-based): chr8:42,320,835, T>C. VCF-style: chr8-42320835-T-C. GRCh37 (hg19) VCF-style: chr8-42178353-T-C.
Other names: c.1679T>C (NM_001556.2); c.1487T>C, p.Leu496Pro (NM_001190720.3); c.1502T>C, p.Leu501Pro (NM_001242778.2); short protein forms L496P, L501P, L560P.
Identifiers: ClinVar variation 1010624 (VCV001010624.6), dbSNP rs1195581989, ClinGen allele CA371091398.
Genomic context (GRCh38, chr8:42,320,835, plus strand): 5'-TGCAGACCGACATTGTGGACTTACAGAGGAGCCCCATGGGCCGGAAGCAGGGGGGAACGC[T>C]GGACGACCTGTGAGTACTGGCTGGGGGGCCCCTCTGTGCCCAGCACACACAGACAGCCCT-3'
Protein context (NP_001547.1, residues 550-570): SPMGRKQGGT[Leu560Pro]DDLEEQAREL

ClinVar aggregate classification (germline): Uncertain significance. Review status: criteria provided, multiple submitters, no conflicts (2 of 4 stars). 2 submissions from 2 submitters: Uncertain significance (2). Last evaluated 2025-12-02.

Conditions:
Inborn genetic diseases. Identifiers: MedGen C0950123, MeSH D030342.
Severe combined immunodeficiency due to IKK2 deficiency. Also called: IMMUNODEFICIENCY 15B; Immunodeficiency 15. Identifiers: Orphanet 397787, MedGen C4747743, MONDO:0014267, OMIM 615592.

Allele frequency attached by ClinVar (database versions not stated): gnomAD exomes below 0.00001.
gnomAD v4.1: 2 of 1,590,388 alleles (0.00013%); highest among the groups gnomAD compares: Admixed American, 0.0035%; no homozygotes.

Submissions (2):

Labcorp Genetics (formerly Invitae), Labcorp
Classification: Uncertain significance for Severe combined immunodeficiency due to IKK2 deficiency. Last evaluated: 2025-12-02. Review status: criteria provided, single submitter. Criteria: Invitae Variant Classification Sherloc (09022015). Collection method: clinical testing. Allele origin: germline.
Comment: This sequence change replaces leucine, which is neutral and non-polar, with proline, which is neutral and non-polar, at codon 560 of the IKBKB protein (p.Leu560Pro). This variant is present in population databases (no rsID available, gnomAD 0.003%). This variant has not been reported in the literature in individuals affected with IKBKB-related conditions. ClinVar contains an entry for this variant (Variation ID: 1010624). Invitae Evidence Modeling of protein sequence and biophysical properties (such as structural, functional, and spatial information, amino acid conservation, physicochemical variation, residue mobility, and thermodynamic stability) indicates that this missense variant is not expected to disrupt IKBKB protein function with a negative predictive value of 95%. In summary, the available evidence is currently insufficient to determine the role of this variant in disease. Therefore, it has been classified as a Variant of Uncertain Significance.

Ambry Genetics
Classification: Uncertain significance for Inborn genetic diseases. Last evaluated: 2025-02-18. Review status: criteria provided, single submitter. Criteria: Ambry Variant Classification Scheme 2023. Collection method: clinical testing. Allele origin: germline.